The following is an entry in ClinVar:

ClinVar aggregate classification (germline): Benign/Likely benign. Review status: criteria provided, multiple submitters, no conflicts (2 of 4 stars). 3 submissions from 3 submitters: Benign (1); Likely benign (2). Last evaluated 2025-11-01.

Allele frequency attached by ClinVar (database versions not stated): gnomAD 0.00408; 1000 Genomes Project 0.00419; 1000 Genomes Project 30x 0.00437; gnomAD exomes 0.00040; ESP Exome Variant Server 0.00366; TOPMed 0.00471.
gnomAD v4.1: 1,226 of 1,613,838 alleles (0.076%); highest among the groups gnomAD compares: African/African-American, 1.5%; 8 homozygotes.

Submissions (3):

CeGaT Center for Human Genetics Tuebingen
Classification: Likely benign. Last evaluated: 2025-11-01. Review status: criteria provided, single submitter. Criteria: CeGaT Center For Human Genetics Tuebingen Variant Classification Criteria Version 2. Collection method: clinical testing. Allele origin: germline. Affected: yes. Observed: 1 variant allele.
Comment: KY: BP4, BP7, BS1

GeneDx
Classification: Likely benign. Last evaluated: 2021-10-17. Review status: criteria provided, single submitter. Criteria: GeneDx Variant Classification Process June 2021. Collection method: clinical testing. Allele origin: germline. Affected: yes.
Comment: See Variant Classification Assertion Criteria.

Labcorp Genetics (formerly Invitae), Labcorp
Classification: Benign. Last evaluated: 2019-12-31. Review status: criteria provided, single submitter. Criteria: Invitae Variant Classification Sherloc (09022015). Collection method: clinical testing. Allele origin: germline.

NM_178554.6(KY):c.1563C>T (p.Thr521=)

Genes: CEP63 (centrosomal protein 63; plus strand), KY (kyphoscoliosis peptidase; minus strand). Cytogenetic location: 3q22.2.
Variant type: single nucleotide variant.
Coding change: c.1563C>T on transcript NM_178554.6 (MANE Select); coding-DNA position 1563, C replaced by T.
Protein change: p.Thr521=; no amino-acid change (threonine 521 retained).
Molecular consequence: synonymous variant.
Genome position (GRCh38, 1-based): chr3:134,604,002, G>A on the plus strand (C>T on the coding strand, the complement: KY is on the minus strand). VCF-style: chr3-134604002-G-A. GRCh37 (hg19) VCF-style: chr3-134322844-G-A.
Other names: c.1515C>T, p.Thr505= (NM_001350859.2); c.1500C>T, p.Thr500= (NM_001366276.1).
Identifiers: ClinVar variation 782433 (VCV000782433.12), dbSNP rs80161977, ClinGen allele CA2628967.